The following is an entry in ClinVar:

ClinVar aggregate classification (germline): Uncertain significance (1 of 4 stars; one submission).

Allele frequency attached by ClinVar (database versions not stated): gnomAD exomes 0.00002.

Submission:

Labcorp Genetics (formerly Invitae), Labcorp
Classification: Uncertain significance. Last evaluated: 2023-06-29. Review status: criteria provided, single submitter. Criteria: Invitae Variant Classification Sherloc (09022015). Collection method: clinical testing. Allele origin: germline.
Comment: In summary, the available evidence is currently insufficient to determine the role of this variant in disease. Therefore, it has been classified as a Variant of Uncertain Significance. Advanced modeling of protein sequence and biophysical properties (such as structural, functional, and spatial information, amino acid conservation, physicochemical variation, residue mobility, and thermodynamic stability) performed at Invitae indicates that this missense variant is expected to disrupt AASS protein function. ClinVar contains an entry for this variant (Variation ID: 2088216). This variant has not been reported in the literature in individuals affected with AASS-related conditions. This variant is not present in population databases (gnomAD no frequency). This sequence change replaces glycine, which is neutral and non-polar, with serine, which is neutral and polar, at codon 741 of the AASS protein (p.Gly741Ser).

NM_005763.4(AASS):c.2221G>A (p.Gly741Ser)

Gene: AASS (aminoadipate-semialdehyde synthase; minus strand). Cytogenetic location: 7q31.32.
Variant type: single nucleotide variant.
Coding change: c.2221G>A on transcript NM_005763.4 (MANE Select); coding-DNA position 2221, G replaced by A.
Protein change: p.Gly741Ser; replaces glycine 741 with serine.
Molecular consequence: missense variant.
Genome position (GRCh38, 1-based): chr7:122,081,559, C>T on the plus strand (G>A on the coding strand, the complement: AASS is on the minus strand). VCF-style: chr7-122081559-C-T. GRCh37 (hg19) VCF-style: chr7-121721613-C-T.
Other names: short protein forms G741S.
Identifiers: ClinVar variation 2088216 (VCV002088216.2), dbSNP rs1417163654, ClinGen allele CA369032047.